The following is an entry in ClinVar:

ClinVar aggregate classification (germline): Uncertain significance. Review status: criteria provided, multiple submitters, no conflicts (2 of 4 stars). 2 submissions from 2 submitters: Uncertain significance (2). Last evaluated 2026-07-07.

Conditions:
Atypical hemolytic-uremic syndrome with thrombomodulin anomaly. Also called: HEMOLYTIC UREMIC SYNDROME, ATYPICAL, SUSCEPTIBILITY TO, 6; AHUS, SUSCEPTIBILITY TO, 6. Identifiers: MedGen C2752036, MONDO:0013044, OMIM 612926. Disease mechanism: gain of function.

Allele frequency attached by ClinVar (database versions not stated): gnomAD exomes below 0.00001; TOPMed below 0.00001.

Submissions (2):

Medgenome Labs Ltd
Classification: Uncertain significance for Atypical hemolytic-uremic syndrome with thrombomodulin anomaly. Last evaluated: 2026-07-07. Review status: criteria provided, single submitter. Criteria: ACMG Guidelines, 2015. Collection method: clinical testing. Allele origin: germline. Affected: yes.

Labcorp Genetics (formerly Invitae), Labcorp
Classification: Uncertain significance. Last evaluated: 2025-07-05. Review status: criteria provided, single submitter. Criteria: Invitae Variant Classification Sherloc (09022015). Collection method: clinical testing. Allele origin: germline.
Comment: This sequence change replaces asparagine, which is neutral and polar, with serine, which is neutral and polar, at codon 115 of the THBD protein (p.Asn115Ser). The frequency data for this variant in the population databases is considered unreliable, as metrics indicate poor data quality at this position in the gnomAD database. This variant has not been reported in the literature in individuals affected with THBD-related conditions. ClinVar contains an entry for this variant (Variation ID: 2723763). Invitae Evidence Modeling of protein sequence and biophysical properties (such as structural, functional, and spatial information, amino acid conservation, physicochemical variation, residue mobility, and thermodynamic stability) indicates that this missense variant is not expected to disrupt THBD protein function with a negative predictive value of 80%. In summary, the available evidence is currently insufficient to determine the role of this variant in disease. Therefore, it has been classified as a Variant of Uncertain Significance.

NM_000361.3(THBD):c.344A>G (p.Asn115Ser)

Gene: THBD (thrombomodulin; minus strand). Cytogenetic location: 20p11.21.
Variant type: single nucleotide variant.
Coding change: c.344A>G on transcript NM_000361.3 (MANE Select); coding-DNA position 344, A replaced by G.
Protein change: p.Asn115Ser; replaces asparagine 115 with serine.
Molecular consequence: missense variant.
Genome position (GRCh38, 1-based): chr20:23,049,161, T>C on the plus strand (A>G on the coding strand, the complement: THBD is on the minus strand). VCF-style: chr20-23049161-T-C. GRCh37 (hg19) VCF-style: chr20-23029798-T-C.
Other names: short protein forms N115S.
Identifiers: ClinVar variation 2723763 (VCV002723763.4), dbSNP rs1472702645, ClinGen allele CA408407887.
Genomic context (GRCh38, chr20:23,049,161, plus strand): 5'-GGGCCGCAGAGGGGAGCCCCATTGAGGTCGAGCCGTGCCCACCTGCTATAGCTGGTGTTG[T>C]TGTCTCCCGTAACCCACTGGAAGCCGCGCAGGGGCCCGAGGCGCTTGGGGTCGCCGCAGC-3'
Protein context (NP_000352.1, residues 105-125): LRGFQWVTGD[Asn115Ser]NTSYSRWARL